The following is an entry in ClinVar:

NM_001330260.2(SCN8A):c.485+17T>C

Gene: SCN8A (sodium voltage-gated channel alpha subunit 8; plus strand). Cytogenetic location: 12q13.13.
Variant type: single nucleotide variant.
Coding change: c.485+17T>C on transcript NM_001330260.2 (MANE Select); 17 bases into the intron after coding-DNA position 485, T replaced by C.
Molecular consequence: intron variant.
Genome position (GRCh38, 1-based): chr12:51,686,474, T>C. VCF-style: chr12-51686474-T-C. GRCh37 (hg19) VCF-style: chr12-52080258-T-C.
Other names: c.485+17T>C (NM_014191.4, NM_001177984.3, NM_001369788.1).
Identifiers: ClinVar variation 516649 (VCV000516649.9), dbSNP rs748436294, ClinGen allele CA6571069.

ClinVar aggregate classification (germline): Benign/Likely benign. Review status: criteria provided, multiple submitters, no conflicts (2 of 4 stars). 2 submissions from 2 submitters: Benign (1); Likely benign (1). Last evaluated 2025-12-15.

Conditions:
Early-infantile DEE. Also called: Early infantile epileptic encephalopathy; Ohtahara syndrome; Early infantile epileptic encephalopathy with suppression bursts. Identifiers: Orphanet 1934, MedGen C0393706, MONDO:0800491.

Allele frequency attached by ClinVar (database versions not stated): gnomAD 0.00001; gnomAD exomes 0.00003 and 0.00012; TOPMed 0.00005; ExAC 0.00014.
gnomAD v4.1: 34 of 1,481,118 alleles (0.0023%); highest among the groups gnomAD compares: Admixed American, 0.056%; no homozygotes.

Submissions (2):

Labcorp Genetics (formerly Invitae), Labcorp
Classification: Benign for Early-infantile DEE. Last evaluated: 2025-12-15. Review status: criteria provided, single submitter. Criteria: Invitae Variant Classification Sherloc (09022015). Collection method: clinical testing. Allele origin: germline.

GeneDx
Classification: Likely benign. Last evaluated: 2017-09-12. Review status: criteria provided, single submitter. Criteria: GeneDx Variant Classification (06012015). Collection method: clinical testing. Allele origin: germline. Affected: yes.
Comment: This variant is considered likely benign or benign based on one or more of the following criteria: it is a conservative change, it occurs at a poorly conserved position in the protein, it is predicted to be benign by multiple in silico algorithms, and/or has population frequency not consistent with disease.